The following is an entry in ClinVar:

NM_000238.4(KCNH2):c.2711A>G (p.Glu904Gly)

Gene: KCNH2 (potassium voltage-gated channel subfamily H member 2; minus strand). Cytogenetic location: 7q36.1.
Variant type: single nucleotide variant.
Coding change: c.2711A>G on transcript NM_000238.4 (MANE Select); coding-DNA position 2711, A replaced by G.
Protein change: p.Glu904Gly; replaces glutamic acid 904 with glycine.
Molecular consequence: missense variant.
Genome position (GRCh38, 1-based): chr7:150,947,860, T>C on the plus strand (A>G on the coding strand, the complement: KCNH2 is on the minus strand). VCF-style: chr7-150947860-T-C. GRCh37 (hg19) VCF-style: chr7-150644948-T-C.
Other names: c.1691A>G, p.Glu564Gly (NM_172057.3); short protein forms E564G, E904G.
Identifiers: ClinVar variation 642118 (VCV000642118.8), dbSNP rs794727044, ClinGen allele CA369853536.

ClinVar aggregate classification (germline): Uncertain significance (1 of 4 stars; one submission).

Conditions:
Long QT syndrome (LQTS). Identifiers: MedGen C0023976, MeSH D008133, MONDO:0002442. Disease mechanism: loss of function. Inheritance: Various modes of inheritance.

Allele frequency attached by ClinVar (database versions not stated): gnomAD exomes below 0.00001.
gnomAD v4.1: 1 of 1,528,460 alleles (0.000065%); highest among the groups gnomAD compares: Non-Finnish European, 0.000087%; no homozygotes.

Submission:

Labcorp Genetics (formerly Invitae), Labcorp
Classification: Uncertain significance for Long QT syndrome. Last evaluated: 2018-11-07. Review status: criteria provided, single submitter. Criteria: Invitae Variant Classification Sherloc (09022015). Collection method: clinical testing. Allele origin: germline.
Comment: Algorithms developed to predict the effect of missense changes on protein structure and function (SIFT, PolyPhen-2, Align-GVGD) all suggest that this variant is likely to be tolerated, but these predictions have not been confirmed by published functional studies and their clinical significance is uncertain. This variant has been observed in an individual with clinical features of long QT syndrome (Invitae). The frequency data for this variant in the population databases is considered unreliable, as metrics indicate insufficient coverage at this position in the ExAC database. This sequence change replaces glutamic acid with glycine at codon 904 of the KCNH2 protein (p.Glu904Gly). The glutamic acid residue is moderately conserved and there is a moderate physicochemical difference between glutamic acid and glycine. In summary, the available evidence is currently insufficient to determine the role of this variant in disease. Therefore, it has been classified as a Variant of Uncertain Significance.